The following is an entry in ClinVar:

ClinVar aggregate classification (germline): Likely benign. Review status: criteria provided, multiple submitters, no conflicts (2 of 4 stars). 2 submissions from 2 submitters: Likely benign (2). Last evaluated 2025-12-11.

Conditions:
Immunodeficiency 37 (IMD37). Identifiers: MedGen C4015195, MONDO:0014491, OMIM 616098.
BCL10-related disorder. Also called: BCL10-related condition.

Allele frequency attached by ClinVar (database versions not stated): gnomAD exomes below 0.00001.

Submissions (2):

PreventionGenetics, part of Exact Sciences
Classification: Likely benign for BCL10-related condition. Last evaluated: 2025-12-11. Review status: criteria provided, single submitter. Criteria: ACMG Guidelines, 2015. Collection method: clinical testing. Allele origin: germline.
Comment: This variant is classified as likely benign based on ACMG/AMP sequence variant interpretation guidelines (Richards et al. 2015 PMID: 25741868, with internal and published modifications).

Labcorp Genetics (formerly Invitae), Labcorp
Classification: Likely benign for Immunodeficiency 37. Last evaluated: 2022-05-03. Review status: criteria provided, single submitter. Criteria: Invitae Variant Classification Sherloc (09022015). Collection method: clinical testing. Allele origin: germline.

NM_003921.5(BCL10):c.348A>G (p.Gly116=)

Gene: BCL10 (BCL10 immune signaling adaptor; minus strand). Cytogenetic location: 1p22.3.
Variant type: single nucleotide variant.
Coding change: c.348A>G on transcript NM_003921.5 (MANE Select); coding-DNA position 348, A replaced by G.
Protein change: p.Gly116=; no amino-acid change (glycine 116 retained).
Molecular consequence: synonymous variant. On other transcripts: intron variant (1).
Genome position (GRCh38, 1-based): chr1:85,267,981, T>C on the plus strand (A>G on the coding strand, the complement: BCL10 is on the minus strand). VCF-style: chr1-85267981-T-C. GRCh37 (hg19) VCF-style: chr1-85733664-T-C.
Other names: c.348A>G (NM_003921.4); c.347-32A>G (NM_001320715.2).
Identifiers: ClinVar variation 1977681 (VCV001977681.6), dbSNP rs2527096527, ClinGen allele CA418474206.